The following is an entry in ClinVar:

NM_003242.6(TGFBR2):c.1657T>A (p.Ser553Thr)

Gene: TGFBR2 (transforming growth factor beta receptor 2; plus strand). Cytogenetic location: 3p24.1.
Variant type: single nucleotide variant.
Coding change: c.1657T>A on transcript NM_003242.6 (MANE Select); coding-DNA position 1657, T replaced by A.
Protein change: p.Ser553Thr; replaces serine 553 with threonine.
Molecular consequence: missense variant.
Genome position (GRCh38, 1-based): chr3:30,691,552, T>A. VCF-style: chr3-30691552-T-A. GRCh37 (hg19) VCF-style: chr3-30733044-T-A.
Other names: p.S553T:TCG>ACG; c.1732T>A, p.Ser578Thr (NM_001024847.3); c.1840T>A, p.Ser614Thr (NM_001407126.1); c.1765T>A, p.Ser589Thr (NM_001407127.1); c.1684T>A, p.Ser562Thr (NM_001407128.1); c.1660T>A, p.Ser554Thr (NM_001407129.1); c.1654T>A, p.Ser552Thr (NM_001407130.1); c.1552T>A, p.Ser518Thr (NM_001407132.1, NM_001407133.1, NM_001407134.1 and 2 more transcripts); and 3 more; short protein forms S578T, S553T, S554T, S433T, S458T, S518T, S552T, S562T.
Identifiers: ClinVar variation 161394 (VCV000161394.70), dbSNP rs112215250, ClinGen allele CA020746.
Genomic context (GRCh38, chr3:30,691,552, plus strand): 5'-TGTGTGGCAGAACGCTTCAGTGAGCTGGAGCATCTGGACAGGCTCTCGGGGAGGAGCTGC[T>A]CGGAGGAGAAGATTCCTGAAGACGGCTCCCTAAACACTACCAAATAGCTCTTCTGGGGCA-3'
Protein context (NP_003233.4, residues 543-563): HLDRLSGRSC[Ser553Thr]EEKIPEDGSL

ClinVar aggregate classification (germline): Conflicting classifications of pathogenicity. Review status: criteria provided, conflicting classifications (1 of 4 stars). 20 submissions from 20 submitters: Uncertain significance (1); Benign (8); Likely benign (9). 2 of the submissions do not count toward it. Last evaluated 2026-07-01.

Conditions:
TGFBR2-related disorder. Also called: TGFBR2-related condition.
Connective tissue disorder. Also called: Connective tissue disease. Identifiers: MedGen C0009782, MONDO:0003900.
Ehlers-Danlos syndrome (EDS). Identifiers: Orphanet 98249, MedGen C0013720, MONDO:0020066.
Familial thoracic aortic aneurysm and aortic dissection (TAAD). Also called: Thoracic aortic aneurysms and dissections. Identifiers: Orphanet 91387, MedGen C4707243, MONDO:0019625.
Loeys-Dietz syndrome (LDS). Identifiers: Orphanet 60030, MedGen C2697932, MONDO:0018954.
Congenital aneurysm of ascending aorta (AAT1). Also called: Aortic aneurysm, thoracic; Familial thoracic aortic aneurysm; AORTIC ANEURYSM, FAMILIAL THORACIC 1; ANNULOAORTIC ECTASIA. Identifiers: Orphanet 229, MedGen C0345050, MONDO:0024559, OMIM 607086.
Marfan syndrome (MFS). Also called: Marfan syndrome, classic; FBN1-Related Marfan Syndrome; MARFAN SYNDROME, TYPE I; Marfan syndrome type 1; Marfan's syndrome. Identifiers: Orphanet 284963, Orphanet 558, MedGen C0024796, MONDO:0007947, OMIM 154700.
Loeys-Dietz syndrome 2 (LDS2). Also called: Marfan Syndrome type 2; Marfan like connective tissue disorder; MFS 2; AORTIC ANEURYSM, FAMILIAL THORACIC 3; MARFAN SYNDROME, TYPE II; TGFBR2-Related Loeys-Dietz Syndrome. Identifiers: Orphanet 284973, Orphanet 558, MedGen C2674574, MONDO:0012427, OMIM 610168.

Allele frequency attached by ClinVar (database versions not stated): gnomAD exomes 0.00103 and 0.00179; gnomAD 0.00111 and 0.00115; TOPMed 0.00114; ESP Exome Variant Server 0.00138; ExAC 0.00140.
gnomAD v4.1: 1,771 of 1,613,948 alleles (0.11%); highest among the groups gnomAD compares: Non-Finnish European, 0.043%; 18 homozygotes.

Submissions (20):

CeGaT Center for Human Genetics Tuebingen
Classification: Likely benign. Last evaluated: 2026-07-01. Review status: criteria provided, single submitter. Criteria: CeGaT Center For Human Genetics Tuebingen Variant Classification Criteria Version 2. Collection method: clinical testing. Allele origin: germline. Affected: yes. Observed: 75 variant alleles.
Comment: TGFBR2: BS1

Labcorp Genetics (formerly Invitae), Labcorp
Classification: Benign for Familial thoracic aortic aneurysm and aortic dissection. Last evaluated: 2026-02-03. Review status: criteria provided, single submitter. Criteria: Invitae Variant Classification Sherloc (09022015). Collection method: clinical testing. Allele origin: germline.

ARUP Laboratories, Molecular Genetics and Genomics, ARUP Laboratories
Classification: Likely benign. Last evaluated: 2025-07-07. Review status: criteria provided, single submitter. Criteria: ARUP Molecular Germline Variant Investigation Process 2024. Collection method: clinical testing. Allele origin: germline.

Mayo Clinic Laboratories, Mayo Clinic
Classification: Benign. Last evaluated: 2025-04-21. Review status: criteria provided, single submitter. Criteria: ACMG Guidelines, 2015. Collection method: clinical testing. Allele origin: germline. Observed: 1 variant allele.
Comment: BS1, BS2

Blueprint Genetics
Classification: Likely benign. Last evaluated: 2024-11-04. Review status: criteria provided, single submitter. Criteria: ACMG Guidelines, 2015. Collection method: clinical testing. Allele origin: germline.

Molecular Genetics, Royal Melbourne Hospital
Classification: Likely benign for Loeys-Dietz syndrome 2. Last evaluated: 2024-05-02. Review status: criteria provided, single submitter. Criteria: ACMG Guidelines, 2015. Collection method: clinical testing. Allele origin: germline. Inheritance: Autosomal dominant inheritance.

CHEO Genetics Diagnostic Laboratory, Children's Hospital of Eastern Ontario
Classification: Likely benign for Familial thoracic aortic aneurysm and aortic dissection. Last evaluated: 2022-07-22. Review status: criteria provided, single submitter. Criteria: ACMG Guidelines, 2015. Collection method: clinical testing. Allele origin: germline.

Genome Diagnostics Laboratory, The Hospital for Sick Children
Classification: Likely benign for Ehlers-Danlos syndrome. Last evaluated: 2021-10-21. Review status: criteria provided, single submitter. Criteria: ACMG Guidelines, 2015. Collection method: clinical testing. Allele origin: germline.

Mendelics
Classification: Benign for Marfan syndrome. Last evaluated: 2019-05-28. Review status: criteria provided, single submitter. Criteria: Mendelics Assertion Criteria 2017. Collection method: clinical testing. Allele origin: unknown.

Center for Human Genetics, Inc
Classification: Likely benign for Connective tissue disorder. Last evaluated: 2018-06-01. Review status: criteria provided, single submitter. Criteria: ACMG Guidelines, 2015. Collection method: clinical testing. Allele origin: germline. Affected: yes.

Color Diagnostics, LLC DBA Color Health
Classification: Benign for Familial thoracic aortic aneurysm and aortic dissection. Last evaluated: 2018-03-15. Review status: criteria provided, single submitter. Criteria: ACMG Guidelines, 2015. Collection method: clinical testing. Allele origin: germline.

GeneDx
Classification: Benign. Last evaluated: 2017-11-22. Review status: criteria provided, single submitter. Criteria: GeneDx Variant Classification (06012015). Collection method: clinical testing. Allele origin: germline. Affected: yes.
Comment: This variant is considered likely benign or benign based on one or more of the following criteria: it is a conservative change, it occurs at a poorly conserved position in the protein, it is predicted to be benign by multiple in silico algorithms, and/or has population frequency not consistent with disease.

Illumina Laboratory Services, Illumina
Classification: Likely benign for Loeys-Dietz syndrome 2. Last evaluated: 2017-04-27. Review status: criteria provided, single submitter. Criteria: ICSL Variant Classification Criteria 13 December 2019. Collection method: clinical testing. Allele origin: germline.
Comment: This variant was observed as part of a predisposition screen in an ostensibly healthy population. A literature search was performed for the gene, cDNA change, and amino acid change (where applicable). No publications were found based on this search. Allele frequency data from public databases allowed determination this variant is unlikely to cause disease. Therefore, this variant is classified as likely benign.

Women's Health and Genetics/Laboratory Corporation of America, LabCorp
Classification: Benign. Last evaluated: 2017-04-17. Review status: criteria provided, single submitter. Criteria: LabCorp Variant Classification Summary - May 2015. Collection method: clinical testing. Allele origin: germline.
Comment: Variant summary: The TGFBR2 c.1657T>A (p.Ser553Thr) variant involves the alteration of a conserved nucleotide and 3/5 in silico tools predict a damaging outcome. This variant was found in 170/121354 control chromosomes (2 homozygotes) at a frequency of 0.0014009, which is approximately 1121 times the estimated maximal expected allele frequency of a pathogenic TGFBR2 variant (0.0000013), suggesting this variant is likely a benign polymorphism. Multiple publications have cited the variant in affected individuals. In addition, multiple clinical diagnostic laboratories/reputable databases classified this variant with conflicting classifications "uncertain significance" or "likely benign." However, it needs to be noted that many databases/clinical diagnostic laboratories that classified the variant as "uncertain significance" were performed before ExAC data was availalbe. In addition, ClinVar-Partners does state that the variant did not segregate with disease in one family. Therefore, taking all available lines of evidence into consideration, the variant of interest has been classified as Benign.

Laboratory for Molecular Medicine, Mass General Brigham Personalized Medicine
Classification: Uncertain significance. Last evaluated: 2017-01-10. Review status: criteria provided, single submitter. Criteria: LMM Criteria. Collection method: clinical testing. Allele origin: germline. Observed: 3 variant alleles.
Comment: proposed classification - variant undergoing re-assessment, contact laboratory

Eurofins Ntd Llc (ga)
Classification: Benign. Last evaluated: 2016-12-09. Review status: criteria provided, single submitter. Criteria: EGL Classification Definitions 2015. Collection method: clinical testing. Allele origin: germline. Observed: 1 variant allele, 1 heterozygote.

Ambry Genetics
Classification: Benign for Familial thoracic aortic aneurysm and aortic dissection. Last evaluated: 2016-04-06. Review status: criteria provided, single submitter. Criteria: Ambry Variant Classification Scheme 2023. Collection method: clinical testing. Allele origin: germline.

Genomic Diagnostic Laboratory, Division of Genomic Diagnostics, Children's Hospital of Philadelphia
Classification: Likely benign for Loeys-Dietz syndrome. Last evaluated: 2015-11-16. Review status: criteria provided, single submitter. Criteria: DGD Variant Analysis Guidelines. Collection method: clinical testing. Allele origin: unknown.

PreventionGenetics, part of Exact Sciences
Classification: Benign for TGFBR2-related condition. Last evaluated: 2020-10-05. Review status: no assertion criteria provided. Collection method: clinical testing. Allele origin: germline. Not counted in ClinVar's aggregate classification.
Comment: This variant is classified as benign based on ACMG/AMP sequence variant interpretation guidelines (Richards et al. 2015 PMID: 25741868, with internal and published modifications).

CSER _CC_NCGL, University of Washington
Classification: Likely benign for Aortic aneurysm, thoracic. Last evaluated: 2014-06-01. Review status: no assertion criteria provided. Collection method: research. Allele origin: germline. Inheritance: Autosomal dominant inheritance. Study: ESP 6500 variant annotation. Not counted in ClinVar's aggregate classification.
Comment: Variants classified for the Actionable exomic incidental findings in 6503 participants: challenges of variant classification manuscript

Literature cited by the submitters: PubMed 16791849 (cited by 4 submitters); PubMed 25637381 (cited by Women's Health and Genetics/Laboratory Corporation of America, LabCorp); PubMed 17061023 (cited by Women's Health and Genetics/Laboratory Corporation of America, LabCorp); PubMed 26133393 (cited by Women's Health and Genetics/Laboratory Corporation of America, LabCorp and Ambry Genetics); PubMed 18781618 (cited by Women's Health and Genetics/Laboratory Corporation of America, LabCorp and Ambry Genetics); PubMed 24793577 (cited by Ambry Genetics); PubMed 25203624 (cited by Ambry Genetics); PubMed 8246946 (cited by Ambry Genetics).